The following is an entry in ClinVar:

NM_153252.5(BRWD3):c.*6331C>G

Gene: BRWD3 (bromodomain and WD repeat domain containing 3; minus strand). Cytogenetic location: Xq21.1.
Variant type: single nucleotide variant.
Coding change: c.*6331C>G on transcript NM_153252.5 (MANE Select); 6331 bases downstream of the stop codon, C replaced by G.
Molecular consequence: 3 prime UTR variant.
Genome position (GRCh38, 1-based): chrX:80,670,278, G>C on the plus strand (C>G on the coding strand, the complement: BRWD3 is on the minus strand). VCF-style: chrX-80670278-G-C. GRCh37 (hg19) VCF-style: chrX-79925777-G-C.
Identifiers: ClinVar variation 914166 (VCV000914166.4), dbSNP rs11266586, ClinGen allele CA331835321.

ClinVar aggregate classification (germline): Benign (1 of 4 stars; one submission).

Conditions:
Intellectual developmental disorder, X-linked 93. Also called: Intellectual disability, X-linked 93; MENTAL RETARDATION, X-LINKED, WITH MACROCEPHALY. Identifiers: MedGen C1970841, MONDO:0010393, OMIM 300659.

Allele frequency attached by ClinVar (database versions not stated): TOPMed 0.15751; 1000 Genomes Project 30x 0.22185.
gnomAD v4.1: 18,217 of 110,691 alleles (16%); highest among the groups gnomAD compares: South Asian, 43%; 1,149 homozygotes.

Submission:

Illumina Laboratory Services, Illumina
Classification: Benign for Intellectual developmental disorder, X-linked 93. Last evaluated: 2017-04-27. Review status: criteria provided, single submitter. Criteria: ICSL Variant Classification Criteria 13 December 2019. Collection method: clinical testing. Allele origin: germline.
Comment: This variant was observed as part of a predisposition screen in an ostensibly healthy population. A literature search was performed for the gene, cDNA change, and amino acid change (where applicable). No publications were found based on this search. Allele frequency data from public databases was too high to be consistent with this variant causing disease. Therefore, this variant is classified as benign.